The following is an entry in ClinVar:

ClinVar aggregate classification (germline): Pathogenic (1 of 4 stars; one submission).

Conditions:
Compton-North congenital myopathy (CMYO12). Identifiers: Orphanet 210163, MedGen C2675527, MONDO:0012929, OMIM 612540.

Submission:

Labcorp Genetics (formerly Invitae), Labcorp
Classification: Pathogenic for Compton-North congenital myopathy. Last evaluated: 2022-10-21. Review status: criteria provided, single submitter. Criteria: Invitae Variant Classification Sherloc (09022015). Collection method: clinical testing. Allele origin: germline.
Comment: This variant has not been reported in the literature in individuals affected with CNTN1-related conditions. For these reasons, this variant has been classified as Pathogenic. This sequence change creates a premature translational stop signal (p.Arg90*) in the CNTN1 gene. It is expected to result in an absent or disrupted protein product. Loss-of-function variants in CNTN1 are known to be pathogenic (PMID: 19026398, 22242131). The frequency data for this variant in the population databases is considered unreliable, as metrics indicate poor data quality at this position in the gnomAD database.

Literature cited by the submitters: PubMed 19026398; PubMed 22242131.

NM_001843.4(CNTN1):c.268C>T (p.Arg90Ter)

Gene: CNTN1 (contactin 1; plus strand). Cytogenetic location: 12q12.
Variant type: single nucleotide variant.
Coding change: c.268C>T on transcript NM_001843.4 (MANE Select); coding-DNA position 268, C replaced by T.
Protein change: p.Arg90Ter; replaces arginine 90 with a stop codon.
Molecular consequence: nonsense.
Genome position (GRCh38, 1-based): chr12:40,922,296, C>T. VCF-style: chr12-40922296-C-T. GRCh37 (hg19) VCF-style: chr12-41316098-C-T.
Other names: c.268C>T, p.Arg90Ter (NM_001256063.2, NM_001256064.2); c.235C>T, p.Arg79Ter (NM_175038.2); short protein forms R90*, R79*.
Identifiers: ClinVar variation 2126618 (VCV002126618.4), dbSNP rs756907367, ClinGen allele CA384421921.